The following is an entry in ClinVar:

NM_020975.6(RET):c.541C>G (p.Pro181Ala)

Gene: RET (ret proto-oncogene; plus strand). Cytogenetic location: 10q11.21.
Variant type: single nucleotide variant.
Coding change: c.541C>G on transcript NM_020975.6 (MANE Select); coding-DNA position 541, C replaced by G.
Protein change: p.Pro181Ala; replaces proline 181 with alanine.
Molecular consequence: missense variant.
Genome position (GRCh38, 1-based): chr10:43,102,545, C>G. VCF-style: chr10-43102545-C-G. GRCh37 (hg19) VCF-style: chr10-43597993-C-G.
Other names: c.541C>G, p.Pro181Ala (NM_000323.2, NM_001406743.1, NM_001406744.1 and 16 more transcripts); c.412C>G, p.Pro138Ala (NM_001406761.1, NM_001406762.1, NM_001406764.1 and 4 more transcripts); short protein forms P138A, P181A.
Identifiers: ClinVar variation 1747425 (VCV001747425.2), dbSNP rs2492162572, ClinGen allele CA376543424.

ClinVar aggregate classification (germline): Uncertain significance (1 of 4 stars; one submission).

Conditions:
Hereditary cancer-predisposing syndrome. Also called: Hereditary Cancer Syndrome; Neoplastic Syndromes, Hereditary; Tumor predisposition; Hereditary neoplastic syndrome. Identifiers: Orphanet 140162, MedGen C0027672, MeSH D009386, MONDO:0015356.

gnomAD v4.1: 1 of 1,614,216 alleles (0.000062%); no homozygotes.

Submission:

Ambry Genetics
Classification: Uncertain significance for Hereditary cancer-predisposing syndrome. Last evaluated: 2022-03-16. Review status: criteria provided, single submitter. Criteria: Ambry Variant Classification Scheme 2023. Collection method: clinical testing. Allele origin: germline.
Comment: The p.P181A variant (also known as c.541C>G), located in coding exon 3 of the RET gene, results from a C to G substitution at nucleotide position 541. The proline at codon 181 is replaced by alanine, an amino acid with highly similar properties. This amino acid position is conserved. In addition, this alteration is predicted to be tolerated by in silico analysis. Since supporting evidence is limited at this time, the clinical significance of this alteration remains unclear.